The following is an entry in ClinVar:

NM_001620.3(AHNAK):c.14436G>A (p.Ser4812=)

Gene: AHNAK (AHNAK nucleoprotein; minus strand). Cytogenetic location: 11q12.3.
Variant type: single nucleotide variant.
Coding change: c.14436G>A on transcript NM_001620.3 (MANE Select); coding-DNA position 14436, G replaced by A.
Protein change: p.Ser4812=; no amino-acid change (serine 4812 retained).
Molecular consequence: synonymous variant. On other transcripts: intron variant (1).
Genome position (GRCh38, 1-based): chr11:62,519,981, C>T on the plus strand (G>A on the coding strand, the complement: AHNAK is on the minus strand). VCF-style: chr11-62519981-C-T. GRCh37 (hg19) VCF-style: chr11-62287453-C-T.
Other names: c.14436G>A, p.Ser4812= (NM_001346445.2, NM_001346446.2); c.342+15022G>A (NM_024060.4).
Identifiers: ClinVar variation 2641854 (VCV002641854.24), dbSNP rs776662461, ClinGen allele CA6044223.
Genomic context (GRCh38, chr11:62,519,981, plus strand): 5'-CAGTTTTGCGTCTGGACCTTCGATATTCACATCTGGAATATCAACGTCCACCTTGGGTCC[C>T]GAGACATCGATGTCGGCCTTGGGCAGGCTCACATCCACATCTGGACCTTCTCCTTTGAAG-3'
Protein context (NP_001611.1, residues 4802-4822): VSLPKADIDV[Ser4812=]GPKVDVDIPD

ClinVar aggregate classification (germline): Likely benign (1 of 4 stars; one submission).

Allele frequency attached by ClinVar (database versions not stated): ExAC 0.00001.

Submission:

CeGaT Center for Human Genetics Tuebingen
Classification: Likely benign. Last evaluated: 2026-09-01. Review status: criteria provided, single submitter. Criteria: CeGaT Center For Human Genetics Tuebingen Variant Classification Criteria Version 2. Collection method: clinical testing. Allele origin: germline. Affected: yes. Observed: 19 variant alleles.
Comment: AHNAK: BP4, BP7